The following is an entry in ClinVar:

NM_000540.3(RYR1):c.5213C>T (p.Thr1738Met)

Gene: RYR1 (ryanodine receptor 1; plus strand). Cytogenetic location: 19q13.2.
Variant type: single nucleotide variant.
Coding change: c.5213C>T on transcript NM_000540.3 (MANE Select); coding-DNA position 5213, C replaced by T.
Protein change: p.Thr1738Met; replaces threonine 1738 with methionine.
Molecular consequence: missense variant.
Genome position (GRCh38, 1-based): chr19:38,485,868, C>T. VCF-style: chr19-38485868-C-T. GRCh37 (hg19) VCF-style: chr19-38976508-C-T.
Other names: c.5213C>T, p.Thr1738Met (NM_001042723.2); short protein forms T1738M.
Identifiers: ClinVar variation 4756178 (VCV004756178.1).

ClinVar aggregate classification (germline): Uncertain significance (1 of 4 stars; one submission).

Conditions:
Malignant hyperthermia, susceptibility to, 1 (MHS1). Also called: RYR1-Related Malignant Hyperthermia Susceptibility; Malignant hyperthermia suceptibility 1; Anesthesia related hyperthermia; Malignant hyperpyrexia; Fulminating hyperpyrexia; Pharmacogenic myopathy. Identifiers: Orphanet 423, MedGen C2930980, MONDO:0007783, OMIM 145600.

gnomAD v4.1: 27 of 1,613,686 alleles (0.0017%); highest among the groups gnomAD compares: Non-Finnish European, 0.0023%; no homozygotes.

Submission:

Color Diagnostics, LLC DBA Color Health
Classification: Uncertain significance for Malignant hyperthermia, susceptibility to, 1. Last evaluated: 2025-08-17. Review status: criteria provided, single submitter. Criteria: ACMG Guidelines, 2015. Collection method: clinical testing. Allele origin: germline.
Comment: This missense variant replaces threonine with methionine at codon 1738 of the RYR1 protein. Computational prediction suggests that this variant may not impact protein structure and function. To our knowledge, functional studies have not been reported for this variant. This variant has not been reported in individuals affected with RYR1-related disorders in the literature. This variant has been identified in 1/245602 chromosomes in the general population by the Genome Aggregation Database (gnomAD). The available evidence is insufficient to determine the role of this variant in disease conclusively. Therefore, this variant is classified as a Variant of Uncertain Significance.